The following is an entry in ClinVar:

ClinVar aggregate classification (germline): Conflicting classifications of pathogenicity. Review status: criteria provided, conflicting classifications (1 of 4 stars). 4 submissions from 4 submitters: Uncertain significance (1); Likely benign (3). Last evaluated 2025-08-24.

Conditions:
Tuberous sclerosis syndrome (TSC). Also called: Tuberous sclerosis; Tuberous Sclerosis Complex. Identifiers: Orphanet 805, MedGen C0041341, MONDO:0001734.
Tuberous sclerosis 2 (TSC2). Identifiers: Orphanet 805, MedGen C1860707, MONDO:0013199, OMIM 613254.

Allele frequency attached by ClinVar (database versions not stated): gnomAD exomes below 0.00001.
gnomAD v4.1: 1 of 1,614,030 alleles (0.000062%); highest among the groups gnomAD compares: Non-Finnish European, 0.000085%; no homozygotes.

Submissions (4):

Color Diagnostics, LLC DBA Color Health
Classification: Likely benign for Tuberous sclerosis syndrome. Last evaluated: 2025-08-24. Review status: criteria provided, single submitter. Criteria: ACMG Guidelines, 2015. Collection method: clinical testing. Allele origin: germline.

Quest Diagnostics Nichols Institute San Juan Capistrano
Classification: Uncertain significance. Last evaluated: 2025-07-03. Review status: criteria provided, single submitter. Criteria: Quest Diagnostics criteria. Collection method: clinical testing. Allele origin: unknown.

Myriad Genetics, Inc.
Classification: Likely benign for Tuberous sclerosis 2. Last evaluated: 2025-05-13. Review status: criteria provided, single submitter. Criteria: Myriad Autosomal Dominant, Autosomal Recessive and X-Linked Classification Criteria (2023). Collection method: clinical testing. Allele origin: unknown.
Comment: This variant is considered likely benign. This variant is intronic and is not expected to impact mRNA splicing.

Labcorp Genetics (formerly Invitae), Labcorp
Classification: Likely benign for Tuberous sclerosis 2. Last evaluated: 2024-06-05. Review status: criteria provided, single submitter. Criteria: Invitae Variant Classification Sherloc (09022015). Collection method: clinical testing. Allele origin: germline.

NM_000548.5(TSC2):c.1120-7A>G

Gene: TSC2 (TSC complex subunit 2; plus strand). Cytogenetic location: 16p13.3.
Variant type: single nucleotide variant.
Coding change: c.1120-7A>G on transcript NM_000548.5 (MANE Select); 7 bases into the intron before coding-DNA position 1120, A replaced by G.
Molecular consequence: intron variant.
Genome position (GRCh38, 1-based): chr16:2,061,864, A>G. VCF-style: chr16-2061864-A-G. GRCh37 (hg19) VCF-style: chr16-2111865-A-G.
Other names: c.-225-7A>G (NM_001406693.1, NM_001406689.1, NM_001406690.1 and 4 more transcripts); c.1210-7A>G (NM_001406667.1, NM_001406668.1); c.520-7A>G (NM_001406680.1, NM_001406683.1, NM_001406687.1 and 6 more transcripts); c.-401-7A>G (NM_001406698.1); c.1120-7A>G (NM_001114382.3, NM_001406663.1, NM_001406664.1 and 7 more transcripts); c.-193-7A>G (NM_001406694.1, NM_001406695.1); c.1108-7A>G (NM_001406671.1, NM_001406673.1); c.658-7A>G (NM_001406681.1); and 4 more.
Identifiers: ClinVar variation 2809256 (VCV002809256.6), dbSNP rs1459785336, ClinGen allele CA2202009547.
Genomic context (GRCh38, chr16:2,061,864, plus strand): 5'-AGGCCTCTGGTGCCAAGTCCATGTGGGGAGTGGAAGTCAGCCTGTGTCATCGTGCCTGGT[A>G]CTGCAGACCTTGGACAGCCCGGAGCTCAGGACCATCGTCCATGACCTGTTGACCACGGTG-3'